The following is an entry in ClinVar:

ClinVar aggregate classification (germline): Uncertain significance (1 of 4 stars; one submission).

Conditions:
Intellectual developmental disorder, X-linked, syndromic, Raymond type. Also called: Syndromic X-linked intellectual disability Raymond type. Identifiers: MedGen C3275406, MONDO:0010427, OMIM 300799.

Submission:

Labcorp Genetics (formerly Invitae), Labcorp
Classification: Uncertain significance for Intellectual developmental disorder, X-linked, syndromic, Raymond type. Last evaluated: 2025-10-04. Review status: criteria provided, single submitter. Criteria: Invitae Variant Classification Sherloc (09022015). Collection method: clinical testing. Allele origin: germline.
Comment: This sequence change replaces leucine, which is neutral and non-polar, with proline, which is neutral and non-polar, at codon 186 of the ZDHHC9 protein (p.Leu186Pro). This variant is not present in population databases (gnomAD no frequency). This variant has not been reported in the literature in individuals affected with ZDHHC9-related conditions. Invitae Evidence Modeling of protein sequence and biophysical properties (such as structural, functional, and spatial information, amino acid conservation, physicochemical variation, residue mobility, and thermodynamic stability) indicates that this missense variant is expected to disrupt ZDHHC9 protein function with a positive predictive value of 80%. In summary, the available evidence is currently insufficient to determine the role of this variant in disease. Therefore, it has been classified as a Variant of Uncertain Significance.

NM_016032.4(ZDHHC9):c.557T>C (p.Leu186Pro)

Gene: ZDHHC9 (zDHHC palmitoyltransferase 9; minus strand). Cytogenetic location: Xq26.1.
Variant type: single nucleotide variant.
Coding change: c.557T>C on transcript NM_016032.4 (MANE Select); coding-DNA position 557, T replaced by C.
Protein change: p.Leu186Pro; replaces leucine 186 with proline.
Molecular consequence: missense variant.
Genome position (GRCh38, 1-based): chrX:129,814,726, A>G on the plus strand (T>C on the coding strand, the complement: ZDHHC9 is on the minus strand). VCF-style: chrX-129814726-A-G. GRCh37 (hg19) VCF-style: chrX-128948702-A-G.
Other names: c.557T>C, p.Leu186Pro (NM_001008222.3); short protein forms L186P.
Identifiers: ClinVar variation 4728353 (VCV004728353.1).